The following is an entry in ClinVar:

ClinVar aggregate classification (germline): Pathogenic. Review status: criteria provided, multiple submitters, no conflicts (2 of 4 stars). 2 submissions from 2 submitters: Pathogenic (2). Last evaluated 2025-03-18.

Conditions:
Exostoses, multiple, type 2 (EXT2). Also called: Hereditary Multiple Osteochondromatosis, Type II; EXOSTOSES, MULTIPLE, TYPE II. Identifiers: Orphanet 321, MedGen C1851413, MONDO:0007586, OMIM 133701.

Submissions (2):

GeneDx
Classification: Pathogenic. Last evaluated: 2025-03-18. Review status: criteria provided, single submitter. Criteria: GeneDx Variant Classification Process June 2021. Collection method: clinical testing. Allele origin: germline. Affected: yes.
Comment: Nonsense variant predicted to result in protein truncation or nonsense mediated decay in a gene for which loss of function is a known mechanism of disease; Not observed at significant frequency in large population cohorts (gnomAD); Has not been previously published as pathogenic or benign to our knowledge

Labcorp Genetics (formerly Invitae), Labcorp
Classification: Pathogenic for Exostoses, multiple, type 2. Last evaluated: 2024-11-05. Review status: criteria provided, single submitter. Criteria: Invitae Variant Classification Sherloc (09022015). Collection method: clinical testing. Allele origin: germline.
Comment: This sequence change creates a premature translational stop signal (p.Glu291*) in the EXT2 gene. It is expected to result in an absent or disrupted protein product. Loss-of-function variants in EXT2 are known to be pathogenic (PMID: 10679937, 19810120). This variant is not present in population databases (gnomAD no frequency). This variant has not been reported in the literature in individuals affected with EXT2-related conditions. ClinVar contains an entry for this variant (Variation ID: 1712112). For these reasons, this variant has been classified as Pathogenic.

Literature cited by the submitters: PubMed 10679937 (cited by Labcorp Genetics (formerly Invitae), Labcorp); PubMed 19810120 (cited by Labcorp Genetics (formerly Invitae), Labcorp).

NM_207122.2(EXT2):c.871G>T (p.Glu291Ter)

Gene: EXT2 (exostosin glycosyltransferase 2; plus strand). Cytogenetic location: 11p11.2.
Variant type: single nucleotide variant.
Coding change: c.871G>T on transcript NM_207122.2 (MANE Select); coding-DNA position 871, G replaced by T.
Protein change: p.Glu291Ter; replaces glutamic acid 291 with a stop codon.
Molecular consequence: nonsense.
Genome position (GRCh38, 1-based): chr11:44,124,916, G>T. VCF-style: chr11-44124916-G-T. GRCh37 (hg19) VCF-style: chr11-44146466-G-T.
Other names: c.970G>T, p.Glu324Ter (NM_000401.3); c.871G>T, p.Glu291Ter (NM_001178083.3, NM_001389628.1, NM_001389630.1); short protein forms E291*, E324*.
Identifiers: ClinVar variation 1712112 (VCV001712112.7), dbSNP rs2539563311, ClinGen allele CA380168342.
Genomic context (GRCh38, chr11:44,124,916, plus strand): 5'-GCCCTCCAGGTCAAACATGGAGAGTCAGTGTTAGTACTCGATAAATGCACCAACCTCTCA[G>T]AGGGTGTCCTTTCTGTCCGTAAGCGCTGCCACAAGCACCAGGTCTTCGATTACCCACAGG-3'